The following is an entry in ClinVar:

ClinVar aggregate classification (germline): Uncertain significance (1 of 4 stars; one submission).

Conditions:
Hereditary pancreatitis (PCTT). Also called: PRSS1-Related Hereditary Pancreatitis; Hereditary chronic pancreatitis. Identifiers: Orphanet 676, MedGen C0238339, MONDO:0008185, OMIM 167800.

Submission:

Ambry Genetics
Classification: Uncertain significance for Hereditary pancreatitis. Last evaluated: 2024-12-21. Review status: criteria provided, single submitter. Criteria: Ambry Variant Classification Scheme 2023. Collection method: clinical testing. Allele origin: germline.
Comment: The p.T320I variant (also known as c.959C>T), located in coding exon 8 of the CPA1 gene, results from a C to T substitution at nucleotide position 959. The threonine at codon 320 is replaced by isoleucine, an amino acid with similar properties. This amino acid position is conserved. In addition, this alteration is predicted to be tolerated by in silico analysis. Based on the available evidence, the clinical significance of this variant remains unclear.

NM_001868.4(CPA1):c.959C>T (p.Thr320Ile)

Gene: CPA1 (carboxypeptidase A1; plus strand). Cytogenetic location: 7q32.2.
Variant type: single nucleotide variant.
Coding change: c.959C>T on transcript NM_001868.4 (MANE Select); coding-DNA position 959, C replaced by T.
Protein change: p.Thr320Ile; replaces threonine 320 with isoleucine.
Molecular consequence: missense variant.
Genome position (GRCh38, 1-based): chr7:130,385,317, C>T. VCF-style: chr7-130385317-C-T. GRCh37 (hg19) VCF-style: chr7-130025158-C-T.
Other names: short protein forms T320I.
Identifiers: ClinVar variation 3835743 (VCV003835743.1).